The following is an entry in ClinVar:

NM_001267550.2(TTN):c.79810G>T (p.Val26604Leu)

Genes: TTN (titin; minus strand), TTN-AS1 (TTN antisense RNA 1; plus strand). Cytogenetic location: 2q31.2.
Variant type: single nucleotide variant.
Coding change: c.79810G>T on transcript NM_001267550.2 (MANE Select); coding-DNA position 79810, G replaced by T.
Protein change: p.Val26604Leu; replaces valine 26604 with leucine.
Molecular consequence: missense variant.
Genome position (GRCh38, 1-based): chr2:178,566,322, C>A on the plus strand (G>T on the coding strand, the complement: TTN is on the minus strand). VCF-style: chr2-178566322-C-A. GRCh37 (hg19) VCF-style: chr2-179431049-C-A.
Other names: c.74887G>T, p.Val24963Leu (NM_001256850.1); c.52615G>T, p.Val17539Leu (NM_003319.4); c.72106G>T, p.Val24036Leu (NM_133378.4); c.52990G>T, p.Val17664Leu (NM_133432.3); c.53191G>T, p.Val17731Leu (NM_133437.4); short protein forms V17664L, V24963L, V24036L, V26604L, V17731L, V17539L.
Identifiers: ClinVar variation 1746447 (VCV001746447.2), dbSNP rs190407944, ClinGen allele CA349593619.
Genomic context (GRCh38, chr2:178,566,322, plus strand): 5'-TCTCAGGCGTTGGACGACCTTTGAATGGAATGTGAATTCTGGCAGATCCACCAGCTCTTA[C>A]AACAATTCCTTTTCTTAATTCGGAGTCAAGGTCAAGTTCAGGTGCTTCAAGTTTATCTTC-3'
Protein context (NP_001254479.2, residues 26594-26614): LDSELRKGIV[Val26604Leu]RAGGSARIHI

ClinVar aggregate classification (germline): Uncertain significance (1 of 4 stars; one submission).

Conditions:
Cardiovascular phenotype. Identifiers: MedGen CN230736.

gnomAD v4.1: 1 of 1,613,630 alleles (0.000062%); highest among the groups gnomAD compares: Admixed American, 0.0017%; no homozygotes.

Submission:

Ambry Genetics
Classification: Uncertain significance for Cardiovascular phenotype. Last evaluated: 2019-11-20. Review status: criteria provided, single submitter. Criteria: Ambry Variant Classification Scheme 2023. Collection method: clinical testing. Allele origin: germline.
Comment: The p.V17539L variant (also known as c.52615G>T), located in coding exon 153 of the TTN gene, results from a G to T substitution at nucleotide position 52615. The valine at codon 17539 is replaced by leucine, an amino acid with highly similar properties. This amino acid position is highly conserved in available vertebrate species. In addition, this alteration is predicted to be tolerated by in silico analysis. Since supporting evidence is limited at this time, the clinical significance of this alteration remains unclear.